The following is an entry in ClinVar:

NM_032444.4(SLX4):c.2889G>A (p.Arg963=)

Gene: SLX4 (SLX4 structure-specific endonuclease subunit; minus strand). Cytogenetic location: 16p13.3.
Variant type: single nucleotide variant.
Coding change: c.2889G>A on transcript NM_032444.4 (MANE Select); coding-DNA position 2889, G replaced by A.
Protein change: p.Arg963=; no amino-acid change (arginine 963 retained).
Molecular consequence: synonymous variant.
Genome position (GRCh38, 1-based): chr16:3,590,749, C>T on the plus strand (G>A on the coding strand, the complement: SLX4 is on the minus strand). VCF-style: chr16-3590749-C-T. GRCh37 (hg19) VCF-style: chr16-3640750-C-T.
Other names: c.2889G>A (NM_032444.3).
Identifiers: ClinVar variation 705457 (VCV000705457.10), dbSNP rs201978747, ClinGen allele CA276959241.

ClinVar aggregate classification (germline): Likely benign. Review status: criteria provided, single submitter (1 of 4 stars). 2 submissions from 2 submitters: Likely benign (1). 1 of the submissions does not count toward it. Last evaluated 2025-05-27.

Conditions:
SLX4-related disorder. Also called: SLX4-related condition.
Fanconi anemia (FA). Also called: Fanconi's anemia. Identifiers: Orphanet 84, MedGen C0015625, MeSH D005199, MONDO:0019391.

Allele frequency attached by ClinVar (database versions not stated): gnomAD 0.00001; gnomAD exomes 0.00001 and 0.00002; 1000 Genomes Project 30x 0.00016; 1000 Genomes Project 0.00020.
gnomAD v4.1: 25 of 1,614,104 alleles (0.0015%); highest among the groups gnomAD compares: Non-Finnish European, 0.0021%; no homozygotes.

Submissions (2):

Labcorp Genetics (formerly Invitae), Labcorp
Classification: Likely benign for Fanconi anemia. Last evaluated: 2025-05-27. Review status: criteria provided, single submitter. Criteria: Invitae Variant Classification Sherloc (09022015). Collection method: clinical testing. Allele origin: germline.

PreventionGenetics, part of Exact Sciences
Classification: Likely benign for SLX4-related condition. Last evaluated: 2019-04-30. Review status: no assertion criteria provided. Collection method: clinical testing. Allele origin: germline. Not counted in ClinVar's aggregate classification.
Comment: This variant is classified as likely benign based on ACMG/AMP sequence variant interpretation guidelines (Richards et al. 2015 PMID: 25741868, with internal and published modifications).